The following is an entry in ClinVar:

NM_000052.7(ATP7A):c.467A>T (p.Lys156Met)

Gene: ATP7A (ATPase copper transporting alpha; plus strand). Cytogenetic location: Xq21.1.
Variant type: single nucleotide variant.
Coding change: c.467A>T on transcript NM_000052.7 (MANE Select); coding-DNA position 467, A replaced by T.
Protein change: p.Lys156Met; replaces lysine 156 with methionine.
Molecular consequence: missense variant.
Genome position (GRCh38, 1-based): chrX:77,988,588, A>T. VCF-style: chrX-77988588-A-T. GRCh37 (hg19) VCF-style: chrX-77244084-A-T.
Other names: c.467A>T, p.Lys156Met (NM_001282224.2); short protein forms K156M.
Identifiers: ClinVar variation 1054616 (VCV001054616.9), dbSNP rs2149082707, ClinGen allele CA413599987.

ClinVar aggregate classification (germline): Uncertain significance (1 of 4 stars; one submission).

Conditions:
Menkes kinky-hair syndrome (MNK). Also called: Copper transport disease; Classic Menkes Disease; Menkes Disease. Identifiers: Orphanet 565, MedGen C0022716, MONDO:0010651, OMIM 309400.
Cutis laxa, X-linked (OHS). Also called: EDS IX; Occipital horn syndrome. Identifiers: Orphanet 198, MedGen C0268353, MONDO:0010572, OMIM 304150.
X-linked distal spinal muscular atrophy type 3. Also called: SPINAL MUSCULAR ATROPHY, DISTAL, X-LINKED RECESSIVE; ATP7A-Related Distal Motor Neuropathy; NEURONOPATHY, DISTAL HEREDITARY MOTOR, X-LINKED; NEUROPATHY, DISTAL HEREDITARY MOTOR, X-LINKED. Identifiers: Orphanet 139557, MedGen C1845359, MONDO:0010338, OMIM 300489.

Submission:

Labcorp Genetics (formerly Invitae), Labcorp
Classification: Uncertain significance for X-linked distal spinal muscular atrophy type 3; Cutis laxa, X-linked; Menkes kinky-hair syndrome. Last evaluated: 2020-06-21. Review status: criteria provided, single submitter. Criteria: Invitae Variant Classification Sherloc (09022015). Collection method: clinical testing. Allele origin: germline.
Comment: This variant has not been reported in the literature in individuals with ATP7A-related conditions. This variant is not present in population databases (ExAC no frequency). This sequence change replaces lysine with methionine at codon 156 of the ATP7A protein (p.Lys156Met). The lysine residue is moderately conserved and there is a moderate physicochemical difference between lysine and methionine. Algorithms developed to predict the effect of missense changes on protein structure and function output the following: SIFT: "Tolerated"; PolyPhen-2: "Possibly Damaging"; Align-GVGD: "Class C0". The methionine amino acid residue is found in multiple mammalian species, suggesting that this missense change does not adversely affect protein function. These predictions have not been confirmed by published functional studies and their clinical significance is uncertain. In summary, the available evidence is currently insufficient to determine the role of this variant in disease. Therefore, it has been classified as a Variant of Uncertain Significance.